The following is an entry in ClinVar:

NM_004055.5(CAPN5):c.814T>C (p.Phe272Leu)

Gene: CAPN5 (calpain 5; plus strand). Cytogenetic location: 11q13.5.
Variant type: single nucleotide variant.
Coding change: c.814T>C on transcript NM_004055.5 (MANE Select); coding-DNA position 814, T replaced by C.
Protein change: p.Phe272Leu; replaces phenylalanine 272 with leucine.
Molecular consequence: missense variant.
Genome position (GRCh38, 1-based): chr11:77,115,509, T>C. VCF-style: chr11-77115509-T-C. GRCh37 (hg19) VCF-style: chr11-76826555-T-C.
Other names: short protein forms F272L.
Identifiers: ClinVar variation 1517169 (VCV001517169.7), dbSNP rs1003325364, ClinGen allele CA224827444.

ClinVar aggregate classification (germline): Uncertain significance. Review status: criteria provided, multiple submitters, no conflicts (2 of 4 stars). 2 submissions from 2 submitters: Uncertain significance (2). Last evaluated 2024-12-02.

Allele frequency attached by ClinVar (database versions not stated): gnomAD 0.00001.

Submissions (2):

Labcorp Genetics (formerly Invitae), Labcorp
Classification: Uncertain significance. Last evaluated: 2024-12-02. Review status: criteria provided, single submitter. Criteria: Invitae Variant Classification Sherloc (09022015). Collection method: clinical testing. Allele origin: germline.
Comment: This sequence change replaces phenylalanine, which is neutral and non-polar, with leucine, which is neutral and non-polar, at codon 272 of the CAPN5 protein (p.Phe272Leu). This variant is present in population databases (no rsID available, gnomAD 0.004%). This variant has not been reported in the literature in individuals affected with CAPN5-related conditions. ClinVar contains an entry for this variant (Variation ID: 1517169). An algorithm developed to predict the effect of missense changes on protein structure and function (PolyPhen-2) suggests that this variant is likely to be disruptive. In summary, the available evidence is currently insufficient to determine the role of this variant in disease. Therefore, it has been classified as a Variant of Uncertain Significance.

Blueprint Genetics
Classification: Uncertain significance. Last evaluated: 2020-08-05. Review status: criteria provided, single submitter. Criteria: ACMG Guidelines, 2015. Collection method: clinical testing. Allele origin: germline.